The following is an entry in ClinVar:

NM_007194.4(CHEK2):c.480_483dup (p.Asp162fs)

Gene: CHEK2 (checkpoint kinase 2; minus strand). Cytogenetic location: 22q12.1.
Variant type: Duplication.
Coding change: c.480_483dup on transcript NM_007194.4 (MANE Select); coding-DNA positions 480 to 483, 4 bases duplicated (AGAA; older notation c.480_483dupAGAA).
Protein change: p.Asp162fs; shifts the reading frame from aspartic acid 162.
Molecular consequence: frameshift variant. On other transcripts: 5 prime UTR variant (2), intron variant (1).
Genome position (GRCh38, 1-based): chr22:28,725,086-28,725,089, TTCT duplicated on the plus strand (AGAA on the coding strand, the reverse complement: CHEK2 is on the minus strand). VCF-style (leftmost placement, unchanged base first): chr22-28725085-C-CTTCT. GRCh37 (hg19) VCF-style: chr22-29121073-C-CTTCT.
Other names: c.609_612dup, p.Asp205fs (NM_001005735.3, NM_001438294.1); c.-298_-295dup (NM_001257387.3); c.-184_-181dup (NM_001437942.1); c.573_576dup, p.Asp193fs (NM_001438293.1, NM_001438295.1); c.480_483dup, p.Asp162fs (NM_145862.3); c.444+154_444+157dup (NM_001349956.3); short protein forms D162fs, D205fs, D193fs.
Identifiers: ClinVar variation 220278 (VCV000220278.13), dbSNP rs864622453, ClinGen allele CA350083.

ClinVar aggregate classification (germline): Pathogenic. Review status: criteria provided, multiple submitters, no conflicts (2 of 4 stars). 3 submissions from 3 submitters: Pathogenic (3). Last evaluated 2023-06-26.

Conditions:
Hereditary cancer-predisposing syndrome. Also called: Hereditary neoplastic syndrome; Tumor predisposition; Hereditary Cancer Syndrome; Neoplastic Syndromes, Hereditary. Identifiers: Orphanet 140162, MedGen C0027672, MeSH D009386, MONDO:0015356.
Familial cancer of breast. Also called: hereditary breast carcinoma; Hereditary breast cancer; BREAST CANCER, FAMILIAL. Identifiers: Orphanet 227535, MedGen C0346153, MONDO:0016419, OMIM 114480. Disease mechanism: loss of function.

Submissions (3):

Myriad Genetics, Inc.
Classification: Pathogenic for Familial cancer of breast. Last evaluated: 2023-06-26. Review status: criteria provided, single submitter. Criteria: Myriad Autosomal Dominant, Autosomal Recessive and X-Linked Classification Criteria (2023). Collection method: clinical testing. Allele origin: unknown.
Comment: This variant is considered pathogenic. This variant creates a frameshift predicted to result in premature protein truncation.

Ambry Genetics
Classification: Pathogenic for Hereditary cancer-predisposing syndrome. Last evaluated: 2022-11-15. Review status: criteria provided, single submitter. Criteria: Ambry Variant Classification Scheme 2023. Collection method: clinical testing. Allele origin: germline.
Comment: The c.480_483dupAGAA pathogenic mutation, located in coding exon 3 of the CHEK2 gene, results from a duplication of AGAA at nucleotide position 480, causing a translational frameshift with a predicted alternate stop codon (p.D162Rfs*25). This alteration was identified in 1 of 52 Greek breast cancer patients who are CHEK2 carriers (Apostolou P et al. Cancers (Basel), 2021 Apr;13:). This variant is considered to be rare based on population cohorts in the Genome Aggregation Database (gnomAD). In addition to the clinical data presented in the literature, this alteration is expected to result in loss of function by premature protein truncation or nonsense-mediated mRNA decay. As such, this alteration is interpreted as a disease-causing mutation.

Labcorp Genetics (formerly Invitae), Labcorp
Classification: Pathogenic for Familial cancer of breast. Last evaluated: 2015-09-19. Review status: criteria provided, single submitter. Criteria: Invitae Variant Classification Sherloc (09022015). Collection method: clinical testing. Allele origin: germline.
Comment: This sequence change inserts 4 nucleotide in exon 4 of the CHEK2 mRNA (c.480_483dupAGAA), causing a frameshift at codon 162. This creates a premature translational stop signal (p.Asp162Argfs*25) and is expected to result in an absent or disrupted protein product. While this particular variant has not been reported in the literature, truncating variants in CHEK2 are known to be pathogenic (PMID: 21876083, 24713400). For these reasons, this variant has been classified as Pathogenic.

Literature cited by the submitters: PubMed 33925588 (cited by Ambry Genetics); PubMed 21876083 (cited by Labcorp Genetics (formerly Invitae), Labcorp); PubMed 24713400 (cited by Labcorp Genetics (formerly Invitae), Labcorp).